The following is an entry in ClinVar:

NM_020745.4(AARS2):c.750-5G>A

Gene: AARS2 (alanyl-tRNA synthetase 2, mitochondrial; minus strand). Cytogenetic location: 6p21.1.
Variant type: single nucleotide variant.
Coding change: c.750-5G>A on transcript NM_020745.4 (MANE Select); 5 bases into the intron before coding-DNA position 750, G replaced by A.
Molecular consequence: intron variant.
Genome position (GRCh38, 1-based): chr6:44,310,448, C>T on the plus strand (G>A on the coding strand, the complement: AARS2 is on the minus strand). VCF-style: chr6-44310448-C-T. GRCh37 (hg19) VCF-style: chr6-44278185-C-T.
Identifiers: ClinVar variation 136224 (VCV000136224.15), dbSNP rs78410483, ClinGen allele CA289197.

ClinVar aggregate classification (germline): Conflicting classifications of pathogenicity. Review status: criteria provided, conflicting classifications (1 of 4 stars). 4 submissions from 4 submitters: Uncertain significance (1); Benign (2); Likely benign (1). Last evaluated 2025-12-18.

Conditions:
Combined oxidative phosphorylation defect type 8. Also called: CARDIOMYOPATHY, HYPERTROPHIC MITOCHONDRIAL, FATAL INFANTILE. Identifiers: Orphanet 319504, MedGen C4518839, MONDO:0013570, OMIM 614096.

Allele frequency attached by ClinVar (database versions not stated): 1000 Genomes Project 0.00679; gnomAD 0.00684 and 0.00739; ESP Exome Variant Server 0.00746; 1000 Genomes Project 30x 0.00765; TOPMed 0.00765; gnomAD exomes 0.00068 and 0.00174; ExAC 0.00212.
gnomAD v4.1: 2,091 of 1,613,192 alleles (0.13%); highest among the groups gnomAD compares: African/African-American, 2.4%; 18 homozygotes.

Submissions (4):

Labcorp Genetics (formerly Invitae), Labcorp
Classification: Benign. Last evaluated: 2025-12-18. Review status: criteria provided, single submitter. Criteria: Invitae Variant Classification Sherloc (09022015). Collection method: clinical testing. Allele origin: germline.

Blueprint Genetics
Classification: Likely benign. Last evaluated: 2024-11-26. Review status: criteria provided, single submitter. Criteria: ACMG Guidelines, 2015. Collection method: clinical testing. Allele origin: germline.

Illumina Laboratory Services, Illumina
Classification: Uncertain significance for Combined oxidative phosphorylation defect type 8. Last evaluated: 2017-04-27. Review status: criteria provided, single submitter. Criteria: ICSL Variant Classification Criteria 13 December 2019. Collection method: clinical testing. Allele origin: germline.

GeneDx
Classification: Benign. Last evaluated: 2013-05-23. Review status: criteria provided, single submitter. Criteria: GeneDx Variant Classification (06012015). Collection method: clinical testing. Allele origin: germline. Affected: yes.
Comment: This variant is considered likely benign or benign based on one or more of the following criteria: it is a conservative change, it occurs at a poorly conserved position in the protein, it is predicted to be benign by multiple in silico algorithms, and/or has population frequency not consistent with disease.